The following is an entry in ClinVar:

ClinVar aggregate classification (germline): Uncertain significance (1 of 4 stars; one submission).

Conditions:
Joubert syndrome. Also called: CEREBELLOPARENCHYMAL DISORDER IV; JOUBERT-BOLTSHAUSER SYNDROME; Familial aplasia of the vermis. Identifiers: Orphanet 475, MedGen C5979921, MONDO:0018772.
Meckel-Gruber syndrome. Also called: DYSENCEPHALIA SPLANCHNOCYSTICA; GRUBER SYNDROME; Dysencephalia splachnocystica. Identifiers: Orphanet 564, MedGen C0265215, MONDO:0018921.

Submission:

Labcorp Genetics (formerly Invitae), Labcorp
Classification: Uncertain significance for Joubert syndrome; Meckel-Gruber syndrome. Last evaluated: 2023-03-09. Review status: criteria provided, single submitter. Criteria: Invitae Variant Classification Sherloc (09022015). Collection method: clinical testing. Allele origin: germline.
Comment: This sequence change replaces threonine, which is neutral and polar, with alanine, which is neutral and non-polar, at codon 51 of the TCTN1 protein (p.Thr51Ala). This variant is not present in population databases (gnomAD no frequency). In summary, the available evidence is currently insufficient to determine the role of this variant in disease. Therefore, it has been classified as a Variant of Uncertain Significance. Algorithms developed to predict the effect of missense changes on protein structure and function output the following: SIFT: "Not Available"; PolyPhen-2: "Benign"; Align-GVGD: "Not Available". The alanine amino acid residue is found in multiple mammalian species, which suggests that this missense change does not adversely affect protein function. This variant has not been reported in the literature in individuals affected with TCTN1-related conditions.

NM_001082538.3(TCTN1):c.151A>G (p.Thr51Ala)

Gene: TCTN1 (tectonic family member 1; plus strand). Cytogenetic location: 12q24.11.
Variant type: single nucleotide variant.
Coding change: c.151A>G on transcript NM_001082538.3 (MANE Select); coding-DNA position 151, A replaced by G.
Protein change: p.Thr51Ala; replaces threonine 51 with alanine.
Molecular consequence: missense variant. On other transcripts: 5 prime UTR variant (4), non-coding transcript variant (1).
Genome position (GRCh38, 1-based): chr12:110,614,333, A>G. VCF-style: chr12-110614333-A-G. GRCh37 (hg19) VCF-style: chr12-111052138-A-G.
Other names: c.151A>G, p.Thr51Ala (NM_001082537.3, NM_001319680.2, NM_024549.6); c.-79A>G (NM_001173975.3, NM_001319682.3); c.-106A>G (NM_001173976.2); c.-557A>G (NM_001319681.2); short protein forms T51A.
Identifiers: ClinVar variation 2938880 (VCV002938880.3), dbSNP rs2548753328, ClinGen allele CA386700702.